The following is an entry in ClinVar:

NM_007294.4(BRCA1):c.3686T>A (p.Leu1229Ter)

Genes: BRCA1 (BRCA1 DNA repair associated; minus strand), LOC126862571 (BRD4-independent group 4 enhancer GRCh37_chr17:41243136-41244335; plus strand). Cytogenetic location: 17q21.31.
Variant type: single nucleotide variant.
Coding change: c.3686T>A on transcript NM_007294.4 (MANE Select); coding-DNA position 3686, T replaced by A.
Protein change: p.Leu1229Ter; replaces leucine 1229 with a stop codon.
Molecular consequence: nonsense. On other transcripts: intron variant (135).
Genome position (GRCh38, 1-based): chr17:43,091,845, A>T on the plus strand (T>A on the coding strand, the complement: BRCA1 is on the minus strand). VCF-style: chr17-43091845-A-T. GRCh37 (hg19) VCF-style: chr17-41243862-A-T.
Other names: c.404-813T>A (NM_001408511.1); c.647-813T>A (NM_001408457.1, NM_001408460.1, NM_001408454.1 and 11 more transcripts); c.521-813T>A (NM_001408505.1, NM_001408504.1, NM_001408503.1); c.461-813T>A (NM_001408507.1, NM_001408506.1); c.545-813T>A (NM_001408495.1); c.662-813T>A (NM_001408448.1, NM_001408445.1, NM_001408432.1 and 6 more transcripts); c.668-813T>A (NM_001408421.1, NM_001408431.1, NM_001408424.1); c.785-813T>A (NM_001407991.1, NM_001408407.1, NM_001408402.1 and 13 more transcripts); and 41 more; short protein forms L1229*, L1182*, L1102*, L1140*, L1159*, L1161*, L1181*, L1187*.
Identifiers: ClinVar variation 843569 (VCV000843569.10), dbSNP rs2053543910, ClinGen allele CA10594593.
Genomic context (GRCh38, chr17:43,091,845, plus strand): 5'-GTAGCAACGGTGCTATGCCTAGTAGACTGAGAAGGTATATTGTTTACTTTACCAAATAAC[A>T]AGTGTTGGAAGCAGGGAAGCTCTTCATCCTCACTAGATAAGTTCTCTTCTGAGGACTCTA-3'

ClinVar aggregate classification (germline): Pathogenic. Review status: criteria provided, multiple submitters, no conflicts (2 of 4 stars). 2 submissions from 2 submitters: Pathogenic (2). Last evaluated 2025-10-06.

Conditions:
Hereditary breast ovarian cancer syndrome. Also called: Hereditary breast and/or ovarian cancer syndrome; BRCA1- and BRCA2-Associated Hereditary Breast and Ovarian Cancer; Hereditary breast and ovarian cancer syndrome; Hereditary breast and ovarian cancer; Hereditary breast and ovarian cancer syndrome (HBOC); Breast and ovarian cancer. Identifiers: Orphanet 145, MedGen C0677776, MeSH D061325, MONDO:0003582. Disease mechanism: loss of function.
Breast-ovarian cancer, familial, susceptibility to, 1 (BROVCA1). Also called: BRCA1 Hereditary Breast and Ovarian Cancer; OVARIAN CANCER, SUSCEPTIBILITY TO. Identifiers: Orphanet 145, MedGen C2676676, MONDO:0011450, OMIM 604370. Disease mechanism: loss of function.

Submissions (2):

Dasa
Classification: Pathogenic for Breast-ovarian cancer, familial, susceptibility to, 1. Last evaluated: 2025-10-06. Review status: criteria provided, single submitter. Criteria: DASA Assertion Criteria. Collection method: clinical testing. Allele origin: germline.
Comment: NM_007294.4(BRCA1):c.3686T>A (p.Leu1229*) introduces a premature termination codon predicted to result in loss of normal protein function. Loss-of-function is an established mechanism of disease for this gene. Based on the available data, this variant is classified as pathogenic.

Labcorp Genetics (formerly Invitae), Labcorp
Classification: Pathogenic for Hereditary breast ovarian cancer syndrome. Last evaluated: 2019-03-28. Review status: criteria provided, single submitter. Criteria: Invitae Variant Classification Sherloc (09022015). Collection method: clinical testing. Allele origin: germline.
Comment: This sequence change creates a premature translational stop signal (p.Leu1229*) in the BRCA1 gene. It is expected to result in an absent or disrupted protein product. This variant is not present in population databases (ExAC no frequency). This variant has not been reported in the literature in individuals with BRCA1-related conditions. Algorithms developed to predict the effect of sequence changes on RNA splicing suggest that this variant may create or strengthen a splice site, but this prediction has not been confirmed by published transcriptional studies. Loss-of-function variants in BRCA1 are known to be pathogenic (PMID: 20104584). For these reasons, this variant has been classified as Pathogenic.

Literature cited by the submitters: PubMed 20104584 (cited by Labcorp Genetics (formerly Invitae), Labcorp).